The following is an entry in ClinVar:

ClinVar aggregate classification (germline): Uncertain significance. Review status: criteria provided, multiple submitters, no conflicts (2 of 4 stars). 2 submissions from 2 submitters: Uncertain significance (2). Last evaluated 2025-11-02.

Conditions:
Familial Mediterranean fever (FMF). Also called: POLYSEROSITIS, FAMILIAL PAROXYSMAL; POLYSEROSITIS, RECURRENT; Periodic peritonitis; Benign paroxysmal peritonitis. Identifiers: Orphanet 342, MedGen C0031069, MONDO:0018088, OMIM 249100. Disease mechanism: gain of function.
Inborn genetic diseases. Identifiers: MedGen C0950123, MeSH D030342.

Allele frequency attached by ClinVar (database versions not stated): gnomAD exomes below 0.00001.
gnomAD v4.1: 4 of 1,614,278 alleles (0.00025%); highest among the groups gnomAD compares: Non-Finnish European, 0.00034%; no homozygotes.

Submissions (2):

Ambry Genetics
Classification: Uncertain significance for Inborn genetic diseases. Last evaluated: 2025-11-02. Review status: criteria provided, single submitter. Criteria: Ambry Variant Classification Scheme 2023. Collection method: clinical testing. Allele origin: germline.

Labcorp Genetics (formerly Invitae), Labcorp
Classification: Uncertain significance for Familial Mediterranean fever. Last evaluated: 2022-02-14. Review status: criteria provided, single submitter. Criteria: Invitae Variant Classification Sherloc (09022015). Collection method: clinical testing. Allele origin: germline.
Comment: This variant is not present in population databases (gnomAD no frequency). This sequence change replaces glycine, which is neutral and non-polar, with alanine, which is neutral and non-polar, at codon 285 of the MEFV protein (p.Gly285Ala). This variant has not been reported in the literature in individuals affected with MEFV-related conditions. In summary, the available evidence is currently insufficient to determine the role of this variant in disease. Therefore, it has been classified as a Variant of Uncertain Significance. Algorithms developed to predict the effect of missense changes on protein structure and function output the following: SIFT: "Tolerated"; PolyPhen-2: "Benign"; Align-GVGD: "Class C0". The alanine amino acid residue is found in multiple mammalian species, which suggests that this missense change does not adversely affect protein function.

NM_000243.3(MEFV):c.854G>C (p.Gly285Ala)

Gene: MEFV (MEFV innate immunity regulator, pyrin; minus strand). Cytogenetic location: 16p13.3.
Variant type: single nucleotide variant.
Coding change: c.854G>C on transcript NM_000243.3 (MANE Select); coding-DNA position 854, G replaced by C.
Protein change: p.Gly285Ala; replaces glycine 285 with alanine.
Molecular consequence: missense variant. On other transcripts: intron variant (1).
Genome position (GRCh38, 1-based): chr16:3,254,214, C>G on the plus strand (G>C on the coding strand, the complement: MEFV is on the minus strand). VCF-style: chr16-3254214-C-G. GRCh37 (hg19) VCF-style: chr16-3304214-C-G.
Other names: c.277+2097G>C (NM_001198536.2); short protein forms G285A.
Identifiers: ClinVar variation 1913468 (VCV001913468.5), dbSNP rs2543155606, ClinGen allele CA394476810.